The following is an entry in ClinVar:

NM_014231.5(VAMP1):c.70C>T (p.Pro24Ser)

Genes: TAPBPL (TAP binding protein like; plus strand), VAMP1 (vesicle associated membrane protein 1; minus strand). Cytogenetic location: 12p13.31.
Variant type: single nucleotide variant.
Coding change: c.70C>T on transcript NM_014231.5 (MANE Select); coding-DNA position 70, C replaced by T.
Protein change: p.Pro24Ser; replaces proline 24 with serine.
Molecular consequence: missense variant.
Genome position (GRCh38, 1-based): chr12:6,466,284, G>A on the plus strand (C>T on the coding strand, the complement: VAMP1 is on the minus strand). VCF-style: chr12-6466284-G-A. GRCh37 (hg19) VCF-style: chr12-6575450-G-A.
Other names: c.70C>T, p.Pro24Ser (NM_001297438.2, NM_016830.4, NM_199245.3); short protein forms P24S.
Identifiers: ClinVar variation 3467588 (VCV003467588.2).
Genomic context (GRCh38, chr12:6,466,284, plus strand): 5'-CCTCCTCCACTTGTGCCTGGGTTTGCTGTAGTCGTCTGTTACTGGTCATGTTAGGAGGAG[G>A]GCCAGGGGGACCCCCACCTGGGGCAGTCCCTTCTGTCCCTTCAGCAGGTGGCTGAGCTGG-3'
Protein context (NP_055046.1, residues 14-34): GTAPGGGPPG[Pro24Ser]PPNMTSNRRL

ClinVar aggregate classification (germline): Uncertain significance. Review status: criteria provided, multiple submitters, no conflicts (2 of 4 stars). 2 submissions from 2 submitters: Uncertain significance (2). Last evaluated 2024-11-21.

Conditions:
Inborn genetic diseases. Identifiers: MedGen C0950123, MeSH D030342.

gnomAD v4.1: 7 of 1,614,080 alleles (0.00043%); highest among the groups gnomAD compares: Non-Finnish European, 0.00059%; no homozygotes.

Submissions (2):

Ambry Genetics
Classification: Uncertain significance for Inborn genetic diseases. Last evaluated: 2024-11-21. Review status: criteria provided, single submitter. Criteria: Ambry Variant Classification Scheme 2023. Collection method: clinical testing. Allele origin: germline.

Athena Diagnostics
Classification: Uncertain significance. Last evaluated: 2023-09-26. Review status: criteria provided, single submitter. Criteria: Athena Diagnostics Criteria. Collection method: clinical testing. Allele origin: unknown.
Comment: Available data are insufficient to determine the clinical significance of the variant at this time. The frequency of this variant in the general population is uninformative in assessment of its pathogenicity. Computational tools disagree on the variant's effect on normal protein function.